The following is an entry in ClinVar:

NM_000059.4(BRCA2):c.3260C>T (p.Thr1087Ile)

Gene: BRCA2 (BRCA2 DNA repair associated; plus strand). Cytogenetic location: 13q13.1.
Variant type: single nucleotide variant.
Coding change: c.3260C>T on transcript NM_000059.4 (MANE Select); coding-DNA position 3260, C replaced by T.
Protein change: p.Thr1087Ile; replaces threonine 1087 with isoleucine.
Molecular consequence: missense variant.
Genome position (GRCh38, 1-based): chr13:32,337,615, C>T. VCF-style: chr13-32337615-C-T. GRCh37 (hg19) VCF-style: chr13-32911752-C-T.
Other names: p.Thr1087Ile; short protein forms T1087I.
Identifiers: ClinVar variation 491236 (VCV000491236.29), dbSNP rs1555283123, ClinGen allele CA387776013.

ClinVar aggregate classification (germline): Conflicting classifications of pathogenicity. Review status: criteria provided, conflicting classifications (1 of 4 stars). 9 submissions from 9 submitters: Uncertain significance (7); Likely benign (2). Last evaluated 2026-04-23.

Conditions:
BRCA2-related cancer predisposition. Identifiers: MedGen CN377758, MONDO:0700269.
Hereditary cancer-predisposing syndrome. Also called: Tumor predisposition; Hereditary Cancer Syndrome; Hereditary neoplastic syndrome; Neoplastic Syndromes, Hereditary. Identifiers: Orphanet 140162, MedGen C0027672, MeSH D009386, MONDO:0015356.
Breast-ovarian cancer, familial, susceptibility to, 2 (BROVCA2). Also called: BRCA2 Hereditary Breast and Ovarian Cancer. Identifiers: Orphanet 145, MedGen C2675520, MONDO:0012933, OMIM 612555. Disease mechanism: loss of function.
Hereditary breast ovarian cancer syndrome. Also called: Hereditary breast and ovarian cancer syndrome (HBOC); Breast and ovarian cancer; Hereditary breast and ovarian cancer; Hereditary breast and ovarian cancer syndrome; BRCA1- and BRCA2-Associated Hereditary Breast and Ovarian Cancer; Hereditary breast and/or ovarian cancer syndrome. Identifiers: Orphanet 145, MedGen C0677776, MeSH D061325, MONDO:0003582. Disease mechanism: loss of function.

Allele frequency attached by ClinVar (database versions not stated): TOPMed below 0.00001.
gnomAD v4.1: 3 of 1,592,196 alleles (0.00019%); no homozygotes.

Submissions (9):

Women's Health and Genetics/Laboratory Corporation of America, LabCorp
Classification: Uncertain significance. Last evaluated: 2026-04-23. Review status: criteria provided, single submitter. Criteria: LabCorp Variant Classification Summary - May 2015. Collection method: clinical testing. Allele origin: germline.
Comment: Variant summary: BRCA2 c.3260C>T (p.Thr1087Ile) results in a non-conservative amino acid change in the encoded protein sequence. Algorithms developed to predict the effect of missense changes on protein structure and function are either unavailable or do not agree on the potential impact of this missense change. The variant was absent in 235114 control chromosomes. The available data on variant occurrences in the general population are insufficient to allow any conclusion about variant significance. c.3260C>T has been observed in individual(s) affected with clinical features of Hereditary Breast And Ovarian Cancer Syndrome (Lee_2008). These report(s) do not provide unequivocal conclusions about association of the variant with Hereditary Breast And Ovarian Cancer Syndrome. To our knowledge, no experimental evidence demonstrating an impact on protein function has been reported. The following publication has been ascertained in the context of this evaluation (PMID: 18284688). ClinVar contains an entry for this variant (Variation ID: 491236). Based on the evidence outlined above, the variant was classified as uncertain significance.

Ambry Genetics
Classification: Uncertain significance for Hereditary cancer-predisposing syndrome. Last evaluated: 2025-12-13. Review status: criteria provided, single submitter. Criteria: Ambry Variant Classification Scheme 2023. Collection method: clinical testing. Allele origin: germline.
Comment: The p.T1087I variant (also known as c.3260C>T), located in coding exon 10 of the BRCA2 gene, results from a C to T substitution at nucleotide position 3260. The threonine at codon 1087 is replaced by isoleucine, an amino acid with similar properties. This amino acid position is poorly conserved in available vertebrate species. In addition, this alteration is predicted to be tolerated by in silico analysis. Since supporting evidence is limited at this time, the clinical significance of this alteration remains unclear.

Mayo Clinic Laboratories, Mayo Clinic
Classification: Likely benign. Last evaluated: 2025-10-04. Review status: criteria provided, single submitter. Criteria: ACMG Guidelines, 2015. Collection method: clinical testing. Allele origin: germline. Observed: 1 variant allele.
Comment: BP1_strong, PM2_supporting

Labcorp Genetics (formerly Invitae), Labcorp
Classification: Uncertain significance for Hereditary breast ovarian cancer syndrome. Last evaluated: 2025-09-14. Review status: criteria provided, single submitter. Criteria: Invitae Variant Classification Sherloc (09022015). Collection method: clinical testing. Allele origin: germline.
Comment: This sequence change replaces threonine, which is neutral and polar, with isoleucine, which is neutral and non-polar, at codon 1087 of the BRCA2 protein (p.Thr1087Ile). This variant is not present in population databases (gnomAD no frequency). This missense change has been observed in individual(s) with breast cancer (PMID: 18284688). ClinVar contains an entry for this variant (Variation ID: 491236). Invitae Evidence Modeling of protein sequence and biophysical properties (such as structural, functional, and spatial information, amino acid conservation, physicochemical variation, residue mobility, and thermodynamic stability) indicates that this missense variant is not expected to disrupt BRCA2 protein function with a negative predictive value of 95%. In summary, the available evidence is currently insufficient to determine the role of this variant in disease. Therefore, it has been classified as a Variant of Uncertain Significance.

Color Diagnostics, LLC DBA Color Health
Classification: Uncertain significance for Hereditary cancer-predisposing syndrome. Last evaluated: 2025-01-07. Review status: criteria provided, single submitter. Criteria: ACMG Guidelines, 2015. Collection method: clinical testing. Allele origin: germline.
Comment: This missense variant replaces threonine with isoleucine at codon 1087 of the BRCA2 protein. This variant is located in a cold spot region where missense variants are unlikely to be pathogenic (PMID:31911673). Computational prediction suggests that this variant may not impact protein structure and function. To our knowledge, functional studies have not been reported for this variant. This variant has not been reported in individuals affected with BRCA2-related disorders in the literature. This variant has not been identified in the general population by the Genome Aggregation Database (gnomAD). The available evidence is insufficient to determine the role of this variant in disease conclusively. Therefore, this variant is classified as a Variant of Uncertain Significance.

All of Us Research Program, National Institutes of Health
Classification: Uncertain significance for BRCA2-related cancer predisposition. Last evaluated: 2024-09-25. Review status: criteria provided, single submitter. Criteria: ACMG Guidelines, 2015. Collection method: clinical testing. Allele origin: germline. Inheritance: Autosomal dominant inheritance. Observed: 1 variant allele, 1 heterozygote.
Comment: This study involves interpretation of variants in research participants for the purpose of population health screening. Participant phenotype was not available at the time of variant classification. Additional details can be found in publication PMID: 35346344, PMCID: PMC8962531

Quest Diagnostics Nichols Institute San Juan Capistrano
Classification: Uncertain significance. Last evaluated: 2024-08-08. Review status: criteria provided, single submitter. Criteria: Quest Diagnostics criteria. Collection method: clinical testing. Allele origin: unknown.
Comment: The BRCA2 c.3260C>T (p.Thr1087Ile) variant has been reported in the published literature to be located in a region of the BRCA2 gene that is tolerant to missense sequence changes (PMID: 31911673 (2020)). This variant has not been reported in large, multi-ethnic general populations (Genome Aggregation Database). Analysis of this variant using bioinformatics tools for the prediction of the effect of amino acid changes on protein structure and function yielded predictions that this variant is benign. Based on the available information, we are unable to determine the clinical significance of this variant.

KCCC/NGS Laboratory, Kuwait Cancer Control Center
Classification: Uncertain significance for Breast-ovarian cancer, familial, susceptibility to, 2. Last evaluated: 2023-06-06. Review status: criteria provided, single submitter. Criteria: ACMG Guidelines, 2015. Collection method: clinical testing. Allele origin: germline. Affected: yes.
Comment: The p.T1087I variant (also known as c.3260C>T), located in coding exon 10 of the BRCA2 gene, results from a C to T substitution at nucleotide position 3260. The threonine at codon 1087 is replaced by isoleucine, an amino acid with similar properties.In-silico predictions showed benign computational verdict based on 8 benign predictions from BayesDel_addAF, DANN, EIGEN, FATHMM-MKL, MVP, MutationTaster, PrimateAI and SIFT vs 1 pathogenic prediction from M-CAP and the position is not highly conserved. Since supporting evidence is limited at this time, the clinical significance of this alteration remains unclear. Therefore, this variant is classified as on uncertain significance.

University of Washington Department of Laboratory Medicine, University of Washington
Classification: Likely benign for Hereditary cancer-predisposing syndrome. Last evaluated: 2023-03-23. Review status: criteria provided, single submitter. Criteria: Dines et al. (Genet Med. 2020). Collection method: curation. Allele origin: germline.
Comment: Missense variant in a coldspot region where missense variants are very unlikely to be pathogenic (PMID:31911673).

BRCA2 exon 11 coldspot. Reclassification based on statistical prior probability.

Literature cited by the submitters: PubMed 18284688 (cited by 3 submitters); PubMed 31911673 (cited by Color Diagnostics, LLC DBA Color Health and Quest Diagnostics Nichols Institute San Juan Capistrano).